The following is an entry in ClinVar:

NM_004752.4(GCM2):c.1378A>T (p.Thr460Ser)

Gene: GCM2 (glial cells missing transcription factor 2; minus strand). Cytogenetic location: 6p24.2.
Variant type: single nucleotide variant.
Coding change: c.1378A>T on transcript NM_004752.4 (MANE Select); coding-DNA position 1378, A replaced by T.
Protein change: p.Thr460Ser; replaces threonine 460 with serine.
Molecular consequence: missense variant.
Genome position (GRCh38, 1-based): chr6:10,874,138, T>A on the plus strand (A>T on the coding strand, the complement: GCM2 is on the minus strand). VCF-style: chr6-10874138-T-A. GRCh37 (hg19) VCF-style: chr6-10874371-T-A.
Other names: short protein forms T460S.
Identifiers: ClinVar variation 4719118 (VCV004719118.1).
Genomic context (GRCh38, chr6:10,874,138, plus strand): 5'-CATCCCAAGTCTCTGCTTCATCTGTCCTAGAGGAAACTGGCTCGTGGGGAATAGCCACAG[T>A]GGGTCTGATGGCCCGGCAATCTCCTGCAATTTTCATAGGAGGTGGCCCTGAAGGAGAGGC-3'
Protein context (NP_004743.1, residues 450-470): IAGDCRAIRP[Thr460Ser]VAIPHEPVSS

ClinVar aggregate classification (germline): Uncertain significance (1 of 4 stars; one submission).

gnomAD v4.1: 2 of 1,614,218 alleles (0.00012%); highest among the groups gnomAD compares: Non-Finnish European, 0.00017%; no homozygotes.

Submission:

Labcorp Genetics (formerly Invitae), Labcorp
Classification: Uncertain significance. Last evaluated: 2025-05-07. Review status: criteria provided, single submitter. Criteria: Invitae Variant Classification Sherloc (09022015). Collection method: clinical testing. Allele origin: germline.
Comment: This sequence change replaces threonine, which is neutral and polar, with serine, which is neutral and polar, at codon 460 of the GCM2 protein (p.Thr460Ser). This variant is not present in population databases (gnomAD no frequency). This variant has not been reported in the literature in individuals affected with GCM2-related conditions. An algorithm developed to predict the effect of missense changes on protein structure and function outputs the following: PolyPhen-2: "Benign". The serine amino acid residue is found in multiple mammalian species, which suggests that this missense change does not adversely affect protein function. In summary, the available evidence is currently insufficient to determine the role of this variant in disease. Therefore, it has been classified as a Variant of Uncertain Significance.